The following is an entry in ClinVar:

NM_012120.3(CD2AP):c.276T>C (p.Ala92=)

Gene: CD2AP (CD2 associated protein; plus strand). Cytogenetic location: 6p12.3.
Variant type: single nucleotide variant.
Coding change: c.276T>C on transcript NM_012120.3 (MANE Select); coding-DNA position 276, T replaced by C.
Protein change: p.Ala92=; no amino-acid change (alanine 92 retained).
Molecular consequence: synonymous variant.
Genome position (GRCh38, 1-based): chr6:47,533,712, T>C. VCF-style: chr6-47533712-T-C. GRCh37 (hg19) VCF-style: chr6-47501448-T-C.
Other names: c.276T>C (NM_012120.2).
Identifiers: ClinVar variation 1132146 (VCV001132146.11), dbSNP rs138428273, ClinGen allele CA3843937.

ClinVar aggregate classification (germline): Likely benign. Review status: criteria provided, single submitter (1 of 4 stars). 2 submissions from 2 submitters: Likely benign (1). 1 of the submissions does not count toward it. Last evaluated 2025-07-14.

Conditions:
CD2AP-related disorder. Also called: CD2AP-related condition.

Allele frequency attached by ClinVar (database versions not stated): ExAC 0.00009; gnomAD exomes 0.00011 and 0.00013; TOPMed 0.00012; gnomAD 0.00016; ESP Exome Variant Server 0.00023.
gnomAD v4.1: 216 of 1,614,140 alleles (0.013%); highest among the groups gnomAD compares: Non-Finnish European, 0.017%; 1 homozygote.

Submissions (2):

Labcorp Genetics (formerly Invitae), Labcorp
Classification: Likely benign. Last evaluated: 2025-07-14. Review status: criteria provided, single submitter. Criteria: Invitae Variant Classification Sherloc (09022015). Collection method: clinical testing. Allele origin: germline.

PreventionGenetics, part of Exact Sciences
Classification: Likely benign for CD2AP-related condition. Last evaluated: 2021-05-11. Review status: no assertion criteria provided. Collection method: clinical testing. Allele origin: germline. Not counted in ClinVar's aggregate classification.
Comment: This variant is classified as likely benign based on ACMG/AMP sequence variant interpretation guidelines (Richards et al. 2015 PMID: 25741868, with internal and published modifications).